The following is an entry in ClinVar:

NM_001271.4(CHD2):c.3718C>G (p.Pro1240Ala)

Gene: CHD2 (chromodomain helicase DNA binding protein 2; plus strand). Cytogenetic location: 15q26.1.
Variant type: single nucleotide variant.
Coding change: c.3718C>G on transcript NM_001271.4 (MANE Select); coding-DNA position 3718, C replaced by G.
Protein change: p.Pro1240Ala; replaces proline 1240 with alanine.
Molecular consequence: missense variant.
Genome position (GRCh38, 1-based): chr15:92,997,079, C>G. VCF-style: chr15-92997079-C-G. GRCh37 (hg19) VCF-style: chr15-93540309-C-G.
Other names: short protein forms P1240A.
Identifiers: ClinVar variation 432399 (VCV000432399.3), dbSNP rs1555444583, ClinGen allele CA393898085.
Genomic context (GRCh38, chr15:92,997,079, plus strand): 5'-AAATCCATTATCCAACATGAAGAGGAGTTTGAGATGCTGCATAAATCTATCCCTGTGGAC[C>G]CTGAAGAAAAAAAAAAGTGAGTATATTTTGTGTACATGCTTAGATGGTCGTACCGTAAGA-3'
Protein context (NP_001262.3, residues 1230-1250): EMLHKSIPVD[Pro1240Ala]EEKKKYCLTC

ClinVar aggregate classification (germline): Uncertain significance (1 of 4 stars; one submission).

Submission:

GeneDx
Classification: Uncertain significance. Last evaluated: 2024-01-30. Review status: criteria provided, single submitter. Criteria: GeneDx Variant Classification Process June 2021. Collection method: clinical testing. Allele origin: germline. Affected: yes.
Comment: Not observed at significant frequency in large population cohorts (gnomAD); In silico analysis supports that this missense variant has a deleterious effect on protein structure/function; Has not been previously published as pathogenic or benign to our knowledge